The following is an entry in ClinVar:

ClinVar aggregate classification (germline): Uncertain significance (1 of 4 stars; one submission).

Allele frequency attached by ClinVar (database versions not stated): gnomAD exomes 0.00001.
gnomAD v4.1: 4 of 1,218,196 alleles (0.00033%); highest among the groups gnomAD compares: East Asian, 0.0068%; no homozygotes.

Submission:

Labcorp Genetics (formerly Invitae), Labcorp
Classification: Uncertain significance. Last evaluated: 2021-09-15. Review status: criteria provided, single submitter. Criteria: Invitae Variant Classification Sherloc (09022015). Collection method: clinical testing. Allele origin: germline.
Comment: Algorithms developed to predict the effect of missense changes on protein structure and function are either unavailable or do not agree on the potential impact of this missense change (SIFT: "Deleterious"; PolyPhen-2: "Possibly Damaging"; Align-GVGD: "Class C15"). In summary, the available evidence is currently insufficient to determine the role of this variant in disease. Therefore, it has been classified as a Variant of Uncertain Significance. The frequency data for this variant in the population databases is considered unreliable, as metrics indicate insufficient coverage at this position in the ExAC database. This variant has not been reported in the literature in individuals affected with BHLHA9-related conditions. This sequence change replaces alanine with glutamic acid at codon 173 of the BHLHA9 protein (p.Ala173Glu). The alanine residue is highly conserved and there is a moderate physicochemical difference between alanine and glutamic acid.

NM_001164405.2(BHLHA9):c.518C>A (p.Ala173Glu)

Gene: BHLHA9 (basic helix-loop-helix family member a9; plus strand). Cytogenetic location: 17p13.3.
Variant type: single nucleotide variant.
Coding change: c.518C>A on transcript NM_001164405.2 (MANE Select); coding-DNA position 518, C replaced by A.
Protein change: p.Ala173Glu; replaces alanine 173 with glutamic acid.
Molecular consequence: missense variant.
Genome position (GRCh38, 1-based): chr17:1,271,081, C>A. VCF-style: chr17-1271081-C-A. GRCh37 (hg19) VCF-style: chr17-1174375-C-A.
Other names: short protein forms A173E.
Identifiers: ClinVar variation 1381305 (VCV001381305.6), dbSNP rs1373273329, ClinGen allele CA397524236.